The following is an entry in ClinVar:

NM_016035.5(COQ4):c.532+16C>T

Gene: COQ4 (coenzyme Q4; plus strand). Cytogenetic location: 9q34.11.
Variant type: single nucleotide variant.
Coding change: c.532+16C>T on transcript NM_016035.5 (MANE Select); 16 bases into the intron after coding-DNA position 532, C replaced by T.
Molecular consequence: intron variant.
Genome position (GRCh38, 1-based): chr9:128,332,298, C>T. VCF-style: chr9-128332298-C-T. GRCh37 (hg19) VCF-style: chr9-131094577-C-T.
Other names: c.3-1176C>T (NM_001305942.2).
Identifiers: ClinVar variation 510742 (VCV000510742.5), dbSNP rs1473752267, ClinGen allele CA590625922.

ClinVar aggregate classification (germline): Likely benign. Review status: criteria provided, multiple submitters, no conflicts (2 of 4 stars). 2 submissions from 2 submitters: Likely benign (2). Last evaluated 2024-11-27.

Conditions:
Neonatal encephalomyopathy-cardiomyopathy-respiratory distress syndrome. Also called: Coenzyme Q10 deficiency, primary, 7. Identifiers: Orphanet 457185, MedGen C5568562, MONDO:0014562, OMIM 616276.

Allele frequency attached by ClinVar (database versions not stated): gnomAD 0.00002; gnomAD exomes below 0.00001; TOPMed 0.00005.
gnomAD v4.1: 5 of 1,611,006 alleles (0.00031%); highest among the groups gnomAD compares: Admixed American, 0.005%; no homozygotes.

Submissions (2):

Labcorp Genetics (formerly Invitae), Labcorp
Classification: Likely benign for Neonatal encephalomyopathy-cardiomyopathy-respiratory distress syndrome. Last evaluated: 2024-11-27. Review status: criteria provided, single submitter. Criteria: Invitae Variant Classification Sherloc (09022015). Collection method: clinical testing. Allele origin: germline.

GeneDx
Classification: Likely benign. Last evaluated: 2017-07-27. Review status: criteria provided, single submitter. Criteria: GeneDx Variant Classification (06012015). Collection method: clinical testing. Allele origin: germline. Affected: yes.
Comment: This variant is considered likely benign or benign based on one or more of the following criteria: it is a conservative change, it occurs at a poorly conserved position in the protein, it is predicted to be benign by multiple in silico algorithms, and/or has population frequency not consistent with disease.